The following is an entry in ClinVar:

NM_001379029.1(CERT1):c.1284+8C>T

Gene: CERT1 (ceramide transporter 1; minus strand). Cytogenetic location: 5q13.3.
Variant type: single nucleotide variant.
Coding change: c.1284+8C>T on transcript NM_001379029.1 (MANE Select); 8 bases into the intron after coding-DNA position 1284, C replaced by T.
Molecular consequence: intron variant.
Genome position (GRCh38, 1-based): chr5:75,389,584, G>A on the plus strand (C>T on the coding strand, the complement: CERT1 is on the minus strand). VCF-style: chr5-75389584-G-A. GRCh37 (hg19) VCF-style: chr5-74685409-G-A.
Other names: c.1206+8C>T (NM_001379003.1, NM_031361.3, NM_001379004.1); c.1284+8C>T (NM_001379002.1, NM_005713.3); c.1668+8C>T (NM_001130105.1).
Identifiers: ClinVar variation 762415 (VCV000762415.23), dbSNP rs144328589, ClinGen allele CA3309066.

ClinVar aggregate classification (germline): Benign/Likely benign. Review status: criteria provided, multiple submitters, no conflicts (2 of 4 stars). 2 submissions from 2 submitters: Benign (1); Likely benign (1). Last evaluated 2024-05-01.

Allele frequency attached by ClinVar (database versions not stated): gnomAD exomes 0.00005 and 0.00021; gnomAD 0.00006 and 0.00009; TOPMed 0.00017; ExAC 0.00018; 1000 Genomes Project 0.00060; 1000 Genomes Project 30x 0.00062.
gnomAD v4.1: 87 of 1,608,050 alleles (0.0054%); highest among the groups gnomAD compares: East Asian, 0.18%; no homozygotes.

Submissions (2):

CeGaT Center for Human Genetics Tuebingen
Classification: Likely benign. Last evaluated: 2024-05-01. Review status: criteria provided, single submitter. Criteria: CeGaT Center For Human Genetics Tuebingen Variant Classification Criteria Version 2. Collection method: clinical testing. Allele origin: germline. Affected: yes. Observed: 1 variant allele.
Comment: CERT1: BP4, BS1

Labcorp Genetics (formerly Invitae), Labcorp
Classification: Benign. Last evaluated: 2019-12-31. Review status: criteria provided, single submitter. Criteria: Invitae Variant Classification Sherloc (09022015). Collection method: clinical testing. Allele origin: germline.